The following is an entry in ClinVar:

NM_022725.4(FANCF):c.*207C>T

Gene: FANCF (FA complementation group F; minus strand). Cytogenetic location: 11p14.3.
Variant type: single nucleotide variant.
Coding change: c.*207C>T on transcript NM_022725.4 (MANE Select); 207 bases downstream of the stop codon, C replaced by T.
Molecular consequence: 3 prime UTR variant.
Genome position (GRCh38, 1-based): chr11:22,624,479, G>A on the plus strand (C>T on the coding strand, the complement: FANCF is on the minus strand). VCF-style: chr11-22624479-G-A. GRCh37 (hg19) VCF-style: chr11-22646025-G-A.
Identifiers: ClinVar variation 304197 (VCV000304197.9), dbSNP rs4447177, ClinGen allele CA10630682.

ClinVar aggregate classification (germline): Benign. Review status: criteria provided, multiple submitters, no conflicts (2 of 4 stars). 3 submissions from 3 submitters: Benign (3). Last evaluated 2019-01-10.

Conditions:
Fanconi anemia complementation group F. Also called: FANCF-Related Fanconi Anemia. Identifiers: Orphanet 84, MedGen C3469526, MONDO:0011325, OMIM 603467.

Allele frequency attached by ClinVar (database versions not stated): TOPMed 0.68681; 1000 Genomes Project 30x 0.69004; gnomAD 0.70234 and 0.71164; 1000 Genomes Project 0.70367; gnomAD exomes 0.82104.

Submissions (3):

GeneDx
Classification: Benign. Last evaluated: 2019-01-10. Review status: criteria provided, single submitter. Criteria: GeneDx Variant Classification Process June 2021. Collection method: clinical testing. Allele origin: germline. Affected: yes.

Illumina Laboratory Services, Illumina
Classification: Benign for Fanconi anemia complementation group F. Last evaluated: 2018-01-13. Review status: criteria provided, single submitter. Criteria: ICSL Variant Classification Criteria 13 December 2019. Collection method: clinical testing. Allele origin: germline.
Comment: This variant was observed in the ICSL laboratory as part of a predisposition screen in an ostensibly healthy population. It had not been previously curated by ICSL or reported in the Human Gene Mutation Database (HGMD: prior to June 1st, 2018), and was therefore a candidate for classification through an automated scoring system. Utilizing variant allele frequency, disease prevalence and penetrance estimates, and inheritance mode, an automated score was calculated to assess if this variant is too frequent to cause the disease. Based on the score and internal cut-off values, a variant classified as benign is not then subjected to further curation. The score for this variant resulted in a classification of benign for this disease.

Breakthrough Genomics
Classification: Benign. Review status: criteria provided, single submitter. Criteria: ACMG Guidelines, 2015. Collection method: not provided. Allele origin: germline. Inheritance: Autosomal recessive inheritance. Affected: yes.